The following is an entry in ClinVar:

ClinVar aggregate classification (germline): Uncertain significance. Review status: criteria provided, multiple submitters, no conflicts (2 of 4 stars). 2 submissions from 2 submitters: Uncertain significance (2). Last evaluated 2025-10-23.

Conditions:
Inborn genetic diseases. Identifiers: MedGen C0950123, MeSH D030342.
Familial infantile myasthenia (CMS6). Also called: Congenital myasthenic syndrome type 6; MYASTHENIC SYNDROME, PRESYNAPTIC, CONGENITAL, ASSOCIATED WITH EPISODIC APNEA; MYASTHENIC SYNDROME, CONGENITAL, 6, PRESYNAPTIC. Identifiers: Orphanet 590, MedGen C0393929, MONDO:0009689, OMIM 254210.

gnomAD v4.1: 2 of 1,614,164 alleles (0.00012%); highest among the groups gnomAD compares: South Asian, 0.0011%; no homozygotes.

Submissions (2):

Ambry Genetics
Classification: Uncertain significance for Inborn genetic diseases. Last evaluated: 2025-10-23. Review status: criteria provided, single submitter. Criteria: Ambry Variant Classification Scheme 2023. Collection method: clinical testing. Allele origin: germline.

Labcorp Genetics (formerly Invitae), Labcorp
Classification: Uncertain significance for Familial infantile myasthenia. Last evaluated: 2022-09-27. Review status: criteria provided, single submitter. Criteria: Invitae Variant Classification Sherloc (09022015). Collection method: clinical testing. Allele origin: germline.
Comment: In summary, the available evidence is currently insufficient to determine the role of this variant in disease. Therefore, it has been classified as a Variant of Uncertain Significance. Advanced modeling of protein sequence and biophysical properties (such as structural, functional, and spatial information, amino acid conservation, physicochemical variation, residue mobility, and thermodynamic stability) performed at Invitae indicates that this missense variant is not expected to disrupt CHAT protein function. This variant has not been reported in the literature in individuals affected with CHAT-related conditions. This variant is not present in population databases (gnomAD no frequency). This sequence change replaces threonine, which is neutral and polar, with lysine, which is basic and polar, at codon 740 of the CHAT protein (p.Thr740Lys).

NM_020549.5(CHAT):c.2219C>A (p.Thr740Lys)

Gene: CHAT (choline O-acetyltransferase; plus strand). Cytogenetic location: 10q11.23.
Variant type: single nucleotide variant.
Coding change: c.2219C>A on transcript NM_020549.5 (MANE Select); coding-DNA position 2219, C replaced by A.
Protein change: p.Thr740Lys; replaces threonine 740 with lysine.
Molecular consequence: missense variant.
Genome position (GRCh38, 1-based): chr10:49,665,018, C>A. VCF-style: chr10-49665018-C-A. GRCh37 (hg19) VCF-style: chr10-50873064-C-A.
Other names: c.2219C>A (NM_020549.4); c.1865C>A, p.Thr622Lys (NM_001142929.2, NM_001142934.2, NM_020984.4 and 2 more transcripts); c.1973C>A, p.Thr658Lys (NM_001142933.2); short protein forms T740K, T658K, T622K.
Identifiers: ClinVar variation 2078420 (VCV002078420.5), dbSNP rs755783618, ClinGen allele CA376715014.